The following is an entry in ClinVar:

ClinVar aggregate classification (germline): Uncertain significance (1 of 4 stars; one submission).

gnomAD v4.1: 5 of 1,612,644 alleles (0.00031%); highest among the groups gnomAD compares: African/African-American, 0.0067%; no homozygotes.

Submission:

Labcorp Genetics (formerly Invitae), Labcorp
Classification: Uncertain significance. Last evaluated: 2024-04-26. Review status: criteria provided, single submitter. Criteria: Invitae Variant Classification Sherloc (09022015). Collection method: clinical testing. Allele origin: germline.
Comment: This sequence change replaces aspartic acid, which is acidic and polar, with glycine, which is neutral and non-polar, at codon 220 of the LIPI protein (p.Asp220Gly). This variant is not present in population databases (gnomAD no frequency). This variant has not been reported in the literature in individuals affected with LIPI-related conditions. An algorithm developed to predict the effect of missense changes on protein structure and function (PolyPhen-2) suggests that this variant is likely to be disruptive. In summary, the available evidence is currently insufficient to determine the role of this variant in disease. Therefore, it has been classified as a Variant of Uncertain Significance.

NM_001302998.2(LIPI):c.596A>G (p.Asp199Gly)

Gene: LIPI (lipase I; minus strand). Cytogenetic location: 21q11.2.
Variant type: single nucleotide variant.
Coding change: c.596A>G on transcript NM_001302998.2 (MANE Select); coding-DNA position 596, A replaced by G.
Protein change: p.Asp199Gly; replaces aspartic acid 199 with glycine.
Molecular consequence: missense variant.
Genome position (GRCh38, 1-based): chr21:14,181,805, T>C on the plus strand (A>G on the coding strand, the complement: LIPI is on the minus strand). VCF-style: chr21-14181805-T-C. GRCh37 (hg19) VCF-style: chr21-15554126-T-C.
Other names: c.596A>G, p.Asp199Gly (NM_001302999.2, NM_001303000.2, NM_001303001.2 and 1 more transcripts); c.101A>G, p.Asp34Gly (NM_001379566.1); c.461A>G, p.Asp154Gly (NM_198996.4); short protein forms D154G, D199G, D34G.
Identifiers: ClinVar variation 3614213 (VCV003614213.2).
Genomic context (GRCh38, chr21:14,181,805, plus strand): 5'-CCTGATTTGTTACCATTGGAGTCAGAATGGATGACATCCACAAACTTTGCATCCGTGTAA[T>C]CTAATCTGCTATATGGTGGTTTTCTGGAGAACCTTGGCCCAGCAGGGTCAAGACCTGGAA-3'
Protein context (NP_001289927.1, residues 189-209): FSRKPPYSRL[Asp199Gly]YTDAKFVDVI